The following is an entry in ClinVar:

ClinVar aggregate classification (germline): Uncertain significance (1 of 4 stars; one submission).

gnomAD v4.1: 1 of 1,207,908 alleles (0.000083%); highest among the groups gnomAD compares: Non-Finnish European, 0.00011%; no homozygotes.

Submission:

Labcorp Genetics (formerly Invitae), Labcorp
Classification: Uncertain significance. Last evaluated: 2024-09-15. Review status: criteria provided, single submitter. Criteria: Invitae Variant Classification Sherloc (09022015). Collection method: clinical testing. Allele origin: germline.
Comment: This sequence change replaces asparagine, which is neutral and polar, with histidine, which is basic and polar, at codon 139 of the CLCN5 protein (p.Asn139His). This variant is not present in population databases (gnomAD no frequency). This variant has not been reported in the literature in individuals affected with CLCN5-related conditions. An algorithm developed to predict the effect of missense changes on protein structure and function (PolyPhen-2) suggests that this variant is likely to be disruptive. In summary, the available evidence is currently insufficient to determine the role of this variant in disease. Therefore, it has been classified as a Variant of Uncertain Significance.

NM_001127898.4(CLCN5):c.625A>C (p.Asn209His)

Gene: CLCN5 (chloride voltage-gated channel 5; plus strand). Cytogenetic location: Xp11.23.
Variant type: single nucleotide variant.
Coding change: c.625A>C on transcript NM_001127898.4 (MANE Select); coding-DNA position 625, A replaced by C.
Protein change: p.Asn209His; replaces asparagine 209 with histidine.
Molecular consequence: missense variant.
Genome position (GRCh38, 1-based): chrX:50,080,615, A>C. VCF-style: chrX-50080615-A-C. GRCh37 (hg19) VCF-style: chrX-49845272-A-C.
Other names: c.415A>C, p.Asn139His (NM_000084.5); c.625A>C, p.Asn209His (NM_001127899.4); c.475A>C, p.Asn159His (NM_001282163.2); short protein forms N209H, N139H, N159H.
Identifiers: ClinVar variation 3689681 (VCV003689681.2).